The following is an entry in ClinVar:

NM_006904.7(PRKDC):c.6637A>G (p.Asn2213Asp)

Gene: PRKDC (protein kinase, DNA-activated, catalytic subunit; minus strand). Cytogenetic location: 8q11.21.
Variant type: single nucleotide variant.
Coding change: c.6637A>G on transcript NM_006904.7 (MANE Select); coding-DNA position 6637, A replaced by G.
Protein change: p.Asn2213Asp; replaces asparagine 2213 with aspartic acid.
Molecular consequence: missense variant.
Genome position (GRCh38, 1-based): chr8:47,855,346, T>C on the plus strand (A>G on the coding strand, the complement: PRKDC is on the minus strand). VCF-style: chr8-47855346-T-C. GRCh37 (hg19) VCF-style: chr8-48767907-T-C.
Other names: c.6637A>G, p.Asn2213Asp (NM_001081640.2); short protein forms N2213D.
Identifiers: ClinVar variation 2105583 (VCV002105583.4), dbSNP rs1439955320, ClinGen allele CA371159686.

ClinVar aggregate classification (germline): Uncertain significance (1 of 4 stars; one submission).

Conditions:
Severe combined immunodeficiency due to DNA-PKcs deficiency. Also called: IMMUNODEFICIENCY 26 WITH NEUROLOGIC ABNORMALITIES; Immunodeficiency 26 with or without neurologic abnormalities. Identifiers: Orphanet 317425, MedGen C4014833, MONDO:0014423, OMIM 615966.

gnomAD v4.1: 2 of 1,599,520 alleles (0.00013%); highest among the groups gnomAD compares: Non-Finnish European, 0.00017%; no homozygotes.

Submission:

Labcorp Genetics (formerly Invitae), Labcorp
Classification: Uncertain significance for Severe combined immunodeficiency due to DNA-PKcs deficiency. Last evaluated: 2022-03-01. Review status: criteria provided, single submitter. Criteria: Invitae Variant Classification Sherloc (09022015). Collection method: clinical testing. Allele origin: germline.
Comment: In summary, the available evidence is currently insufficient to determine the role of this variant in disease. Therefore, it has been classified as a Variant of Uncertain Significance. Experimental studies and prediction algorithms are not available or were not evaluated, and the functional significance of this variant is currently unknown. This variant has not been reported in the literature in individuals affected with PRKDC-related conditions. This variant is not present in population databases (gnomAD no frequency). This sequence change replaces asparagine, which is neutral and polar, with aspartic acid, which is acidic and polar, at codon 2213 of the PRKDC protein (p.Asn2213Asp).